The following is an entry in ClinVar:

ClinVar aggregate classification (germline): Likely benign (1 of 4 stars; one submission).

Allele frequency attached by ClinVar (database versions not stated): gnomAD exomes below 0.00001.
gnomAD v4.1: 2 of 1,361,144 alleles (0.00015%); highest among the groups gnomAD compares: Non-Finnish European, 0.00021%; no homozygotes.

Submission:

GeneDx
Classification: Likely benign. Last evaluated: 2018-02-12. Review status: criteria provided, single submitter. Criteria: GeneDx Variant Classification (06012015). Collection method: clinical testing. Allele origin: germline. Affected: yes.
Comment: This variant is considered likely benign or benign based on one or more of the following criteria: it is a conservative change, it occurs at a poorly conserved position in the protein, it is predicted to be benign by multiple in silico algorithms, and/or has population frequency not consistent with disease.

NM_000601.6(HGF):c.1406-3C>T

Gene: HGF (hepatocyte growth factor; minus strand). Cytogenetic location: 7q21.11.
Variant type: single nucleotide variant.
Coding change: c.1406-3C>T on transcript NM_000601.6 (MANE Select); 3 bases into the intron before coding-DNA position 1406, C replaced by T.
Molecular consequence: intron variant.
Genome position (GRCh38, 1-based): chr7:81,711,522, G>A on the plus strand (C>T on the coding strand, the complement: HGF is on the minus strand). VCF-style: chr7-81711522-G-A. GRCh37 (hg19) VCF-style: chr7-81340838-G-A.
Other names: c.1391-3C>T (NM_001010932.3).
Identifiers: ClinVar variation 514999 (VCV000514999.1), dbSNP rs1554363911, ClinGen allele CA658796946.
Genomic context (GRCh38, chr7:81,711,522, plus strand): 5'-ATTGTGAAATATTACTTACGGTCTAAATTGACTATTGTAGGTGTGGTATCACCTTCACCT[G>A]TAAAAATAAATGTATAGATAAATACACAATTCATATATGCATATATCTGTTATATAAAAC-3'